The following is an entry in ClinVar:

ClinVar aggregate classification (germline): Uncertain significance. Review status: criteria provided, multiple submitters, no conflicts (2 of 4 stars). 2 submissions from 2 submitters: Uncertain significance (2). Last evaluated 2025-05-11.

Conditions:
Cystinuria (CSNU). Also called: Cystinuria, non-type I; CYSTINURIA, TYPE I; CYSTINURIA, TYPE II; CYSTINURIA, TYPE III. Identifiers: Orphanet 214, MedGen C0010691, MONDO:0009067, OMIM 220100, HP:0003131.

Allele frequency attached by ClinVar (database versions not stated): gnomAD exomes 0.00002 and 0.00007; ExAC 0.00003; gnomAD 0.00003; TOPMed 0.00003; ESP Exome Variant Server 0.00031.
gnomAD v4.1: 106 of 1,614,006 alleles (0.0066%); highest among the groups gnomAD compares: Non-Finnish European, 0.0088%; no homozygotes.

Submissions (2):

Labcorp Genetics (formerly Invitae), Labcorp
Classification: Uncertain significance. Last evaluated: 2025-05-11. Review status: criteria provided, single submitter. Criteria: Invitae Variant Classification Sherloc (09022015). Collection method: clinical testing. Allele origin: germline.
Comment: This sequence change replaces asparagine, which is neutral and polar, with serine, which is neutral and polar, at codon 271 of the SLC7A9 protein (p.Asn271Ser). This variant is present in population databases (rs143285077, gnomAD 0.007%). This variant has not been reported in the literature in individuals affected with SLC7A9-related conditions. ClinVar contains an entry for this variant (Variation ID: 933266). Invitae Evidence Modeling of protein sequence and biophysical properties (such as structural, functional, and spatial information, amino acid conservation, physicochemical variation, residue mobility, and thermodynamic stability) has been performed for this missense variant. However, the output from this modeling did not meet the statistical confidence thresholds required to predict the impact of this variant on SLC7A9 protein function. In summary, the available evidence is currently insufficient to determine the role of this variant in disease. Therefore, it has been classified as a Variant of Uncertain Significance.

Fulgent Genetics
Classification: Uncertain significance for Cystinuria. Last evaluated: 2024-05-03. Review status: criteria provided, single submitter. Criteria: ACMG Guidelines, 2015. Collection method: clinical testing. Allele origin: germline.

NM_014270.5(SLC7A9):c.812A>G (p.Asn271Ser)

Gene: SLC7A9 (solute carrier family 7 member 9; minus strand). Cytogenetic location: 19q13.11.
Variant type: single nucleotide variant.
Coding change: c.812A>G on transcript NM_014270.5 (MANE Select); coding-DNA position 812, A replaced by G.
Protein change: p.Asn271Ser; replaces asparagine 271 with serine.
Molecular consequence: missense variant.
Genome position (GRCh38, 1-based): chr19:32,859,902, T>C on the plus strand (A>G on the coding strand, the complement: SLC7A9 is on the minus strand). VCF-style: chr19-32859902-T-C. GRCh37 (hg19) VCF-style: chr19-33350808-T-C.
Other names: c.812A>G, p.Asn271Ser (NM_001126335.2, NM_001243036.2); short protein forms N271S.
Identifiers: ClinVar variation 933266 (VCV000933266.11), dbSNP rs143285077, ClinGen allele CA9358626.